The following is an entry in ClinVar:

NM_003924.4(PHOX2B):c.*1381C>T

Gene: PHOX2B (paired like homeobox 2B; minus strand). Cytogenetic location: 4p13.
Variant type: single nucleotide variant.
Coding change: c.*1381C>T on transcript NM_003924.4 (MANE Select); 1381 bases downstream of the stop codon, C replaced by T.
Molecular consequence: 3 prime UTR variant.
Genome position (GRCh38, 1-based): chr4:41,744,426, G>A on the plus strand (C>T on the coding strand, the complement: PHOX2B is on the minus strand). VCF-style: chr4-41744426-G-A. GRCh37 (hg19) VCF-style: chr4-41746443-G-A.
Identifiers: ClinVar variation 348786 (VCV000348786.5), dbSNP rs59260453, ClinGen allele CA10621035.

ClinVar aggregate classification (germline): Benign. Review status: criteria provided, single submitter (1 of 4 stars). 2 submissions from 1 submitter: Benign (2). Last evaluated 2018-01-13.

Conditions:
Neuroblastoma, susceptibility to, 2. Identifiers: Orphanet 635, MedGen C2751682, MONDO:0700041, OMIM 613013.
Congenital central hypoventilation. Also called: Congenital Central Hypoventilation Syndrome. Identifiers: Orphanet 661, Orphanet 99803, MedGen C1275808, MONDO:0800031. Disease mechanism: gain of function.

Allele frequency attached by ClinVar (database versions not stated): gnomAD exomes 0.00288; 1000 Genomes Project 0.01238; 1000 Genomes Project 30x 0.01296; gnomAD 0.01322 and 0.01423; TOPMed 0.01514.

Submissions (2):

Illumina Laboratory Services, Illumina
Classification: Benign for Central hypoventilation syndrome, congenital, 1, with or without Hirschsprung disease. Last evaluated: 2018-01-13. Review status: criteria provided, single submitter. Criteria: ICSL Variant Classification Criteria 13 December 2019. Collection method: clinical testing. Allele origin: germline.
Comment: This variant was observed in the ICSL laboratory as part of a predisposition screen in an ostensibly healthy population. It had not been previously curated by ICSL or reported in the Human Gene Mutation Database (HGMD: prior to June 1st, 2018), and was therefore a candidate for classification through an automated scoring system. Utilizing variant allele frequency, disease prevalence and penetrance estimates, and inheritance mode, an automated score was calculated to assess if this variant is too frequent to cause the disease. Based on the score and internal cut-off values, a variant classified as benign is not then subjected to further curation. The score for this variant resulted in a classification of benign for this disease.

Illumina Laboratory Services, Illumina
Classification: Benign for Neuroblastoma, susceptibility to, 2. Last evaluated: 2018-01-13. Review status: criteria provided, single submitter. Criteria: ICSL Variant Classification Criteria 13 December 2019. Collection method: clinical testing. Allele origin: germline.
Comment: the same text as in the submission from Illumina Laboratory Services, Illumina above.